The following is an entry in ClinVar:

ClinVar aggregate classification (germline): Pathogenic. Review status: criteria provided, multiple submitters, no conflicts (2 of 4 stars). 3 submissions from 3 submitters: Pathogenic (3). Last evaluated 2025-01-13.

Conditions:
Hereditary cancer-predisposing syndrome. Also called: Tumor predisposition; Hereditary neoplastic syndrome; Neoplastic Syndromes, Hereditary; Hereditary Cancer Syndrome. Identifiers: Orphanet 140162, MedGen C0027672, MeSH D009386, MONDO:0015356.
Familial cancer of breast. Also called: hereditary breast carcinoma; Hereditary breast cancer; BREAST CANCER, FAMILIAL. Identifiers: Orphanet 227535, MedGen C0346153, MONDO:0016419, OMIM 114480. Disease mechanism: loss of function.

Submissions (3):

Ambry Genetics
Classification: Pathogenic for Hereditary cancer-predisposing syndrome. Last evaluated: 2025-01-13. Review status: criteria provided, single submitter. Criteria: Ambry Variant Classification Scheme 2023. Collection method: clinical testing. Allele origin: germline.
Comment: The p.S475* pathogenic variant (also known as c.1424C>A), located in coding exon 4 of the PALB2 gene, results from a C to A substitution at nucleotide position 1424. This changes the amino acid from a serine to a stop codon within coding exon 4. This variant is considered to be rare based on population cohorts in the Genome Aggregation Database (gnomAD). This alteration is expected to result in loss of function by premature protein truncation or nonsense-mediated mRNA decay. As such, this alteration is interpreted as a disease-causing mutation.

Myriad Genetics, Inc.
Classification: Pathogenic for Familial cancer of breast. Last evaluated: 2023-09-08. Review status: criteria provided, single submitter. Criteria: Myriad Autosomal Dominant, Autosomal Recessive and X-Linked Classification Criteria (2023). Collection method: clinical testing. Allele origin: unknown.
Comment: This variant is considered pathogenic. This variant creates a termination codon and is predicted to result in premature protein truncation.

GeneDx
Classification: Pathogenic. Last evaluated: 2015-04-28. Review status: criteria provided, single submitter. Criteria: GeneDx Variant Classification (06012015). Collection method: clinical testing. Allele origin: germline. Affected: yes.
Comment: The PALB2 c.1424C>A substitution creates a nonsense variant, which changes a Serine to apremature stop codon (TCA>TAA) in exon 4, and is predicted to cause loss of normal protein function through eitherprotein truncation or nonsense-mediated mRNA decay. Although this variant has not, to our knowledge, beenreported in the literature, it is considered pathogenic.

NM_024675.4(PALB2):c.1424C>A (p.Ser475Ter)

Gene: PALB2 (partner and localizer of BRCA2; minus strand). Cytogenetic location: 16p12.2.
Variant type: single nucleotide variant.
Coding change: c.1424C>A on transcript NM_024675.4 (MANE Select); coding-DNA position 1424, C replaced by A.
Protein change: p.Ser475Ter; replaces serine 475 with a stop codon.
Molecular consequence: nonsense.
Genome position (GRCh38, 1-based): chr16:23,635,122, G>T on the plus strand (C>A on the coding strand, the complement: PALB2 is on the minus strand). VCF-style: chr16-23635122-G-T. GRCh37 (hg19) VCF-style: chr16-23646443-G-T.
Other names: short protein forms S475*.
Identifiers: ClinVar variation 379622 (VCV000379622.4), dbSNP rs886039479, ClinGen allele CA16608121.